The following is an entry in ClinVar:

NM_005477.3(HCN4):c.2571C>G (p.Phe857Leu)

Gene: HCN4 (hyperpolarization activated cyclic nucleotide gated potassium channel 4; minus strand). Cytogenetic location: 15q24.1.
Variant type: single nucleotide variant.
Coding change: c.2571C>G on transcript NM_005477.3 (MANE Select); coding-DNA position 2571, C replaced by G.
Protein change: p.Phe857Leu; replaces phenylalanine 857 with leucine.
Molecular consequence: missense variant.
Genome position (GRCh38, 1-based): chr15:73,323,522, G>C on the plus strand (C>G on the coding strand, the complement: HCN4 is on the minus strand). VCF-style: chr15-73323522-G-C. GRCh37 (hg19) VCF-style: chr15-73615863-G-C.
Other names: short protein forms F857L.
Identifiers: ClinVar variation 936716 (VCV000936716.7), dbSNP rs756140673, ClinGen allele CA7648998.

ClinVar aggregate classification (germline): Uncertain significance (1 of 4 stars; one submission).

Conditions:
Brugada syndrome 8 (BRGDA8). Identifiers: Orphanet 130, MedGen C2751083, MONDO:0013148, OMIM 613123.

Allele frequency attached by ClinVar (database versions not stated): gnomAD exomes below 0.00001; ExAC 0.00001.
gnomAD v4.1: 5 of 1,601,344 alleles (0.00031%); highest among the groups gnomAD compares: Non-Finnish European, 0.00042%; no homozygotes.

Submission:

Labcorp Genetics (formerly Invitae), Labcorp
Classification: Uncertain significance for Brugada syndrome 8. Last evaluated: 2021-08-27. Review status: criteria provided, single submitter. Criteria: Invitae Variant Classification Sherloc (09022015). Collection method: clinical testing. Allele origin: germline.
Comment: This sequence change replaces phenylalanine with leucine at codon 857 of the HCN4 protein (p.Phe857Leu). The phenylalanine residue is highly conserved and there is a small physicochemical difference between phenylalanine and leucine. This variant is present in population databases (rs756140673, ExAC 0.002%). This variant has not been reported in the literature in individuals affected with HCN4-related conditions. Algorithms developed to predict the effect of missense changes on protein structure and function output the following: SIFT: "Tolerated"; PolyPhen-2: "Not Available"; Align-GVGD: "Class C0". The leucine amino acid residue is found in multiple mammalian species, which suggests that this missense change does not adversely affect protein function. In summary, the available evidence is currently insufficient to determine the role of this variant in disease. Therefore, it has been classified as a Variant of Uncertain Significance.